The following is an entry in ClinVar:

NM_000260.4(MYO7A):c.5244G>A (p.Thr1748=)

Gene: MYO7A (myosin VIIA; plus strand). Cytogenetic location: 11q13.5.
Variant type: single nucleotide variant.
Coding change: c.5244G>A on transcript NM_000260.4 (MANE Select); coding-DNA position 5244, G replaced by A.
Protein change: p.Thr1748=; no amino-acid change (threonine 1748 retained).
Molecular consequence: synonymous variant.
Genome position (GRCh38, 1-based): chr11:77,203,135, G>A. VCF-style: chr11-77203135-G-A. GRCh37 (hg19) VCF-style: chr11-76914180-G-A.
Other names: c.5130G>A, p.Thr1710= (NM_001127180.2); c.5097G>A, p.Thr1699= (NM_001369365.1).
Identifiers: ClinVar variation 793302 (VCV000793302.11), dbSNP rs1189132240, ClinGen allele CA475796937.

ClinVar aggregate classification (germline): Likely benign. Review status: criteria provided, multiple submitters, no conflicts (2 of 4 stars). 2 submissions from 2 submitters: Likely benign (2). Last evaluated 2026-01-20.

Conditions:
MYO7A-related disorder. Also called: MYO7A-related disorders.

Allele frequency attached by ClinVar (database versions not stated): gnomAD 0.00003 and 0.00004; TOPMed 0.00003.

Submissions (2):

Labcorp Genetics (formerly Invitae), Labcorp
Classification: Likely benign. Last evaluated: 2026-01-20. Review status: criteria provided, single submitter. Criteria: Invitae Variant Classification Sherloc (09022015). Collection method: clinical testing. Allele origin: germline.

PreventionGenetics, part of Exact Sciences
Classification: Likely benign for MYO7A-related condition. Last evaluated: 2025-05-01. Review status: criteria provided, single submitter. Criteria: ACMG Guidelines, 2015. Collection method: clinical testing. Allele origin: germline.
Comment: This variant is classified as likely benign based on ACMG/AMP sequence variant interpretation guidelines (Richards et al. 2015 PMID: 25741868, with internal and published modifications).